The following is an entry in ClinVar:

ClinVar aggregate classification (germline): Uncertain significance (1 of 4 stars; one submission).

Submission:

GeneDx
Classification: Uncertain significance. Last evaluated: 2022-09-13. Review status: criteria provided, single submitter. Criteria: GeneDx Variant Classification Process June 2021. Collection method: clinical testing. Allele origin: germline. Affected: yes.
Comment: Not observed at significant frequency in large population cohorts (gnomAD); In silico analysis supports that this missense variant does not alter protein structure/function; Has not been previously published as pathogenic or benign to our knowledge; Variants in candidate genes are classified as variants of uncertain significance in accordance with ACMG guidelines (Richards et al., 2015)

NM_015030.2(FRYL):c.7934C>T (p.Ser2645Phe)

Gene: FRYL (FRY like transcription coactivator; minus strand). Cytogenetic location: 4p11.
Variant type: single nucleotide variant.
Coding change: c.7934C>T on transcript NM_015030.2 (MANE Select); coding-DNA position 7934, C replaced by T.
Protein change: p.Ser2645Phe; replaces serine 2645 with phenylalanine.
Molecular consequence: missense variant.
Genome position (GRCh38, 1-based): chr4:48,515,031, G>A on the plus strand (C>T on the coding strand, the complement: FRYL is on the minus strand). VCF-style: chr4-48515031-G-A. GRCh37 (hg19) VCF-style: chr4-48517048-G-A.
Other names: short protein forms S2645F.
Identifiers: ClinVar variation 3342635 (VCV003342635.1).
Genomic context (GRCh38, chr4:48,515,031, plus strand): 5'-AAGGAATAGGGGAGAGATTATCCCCTCACTACAGTGTTTATGATACTGTATTCTCACCTA[G>A]ACAGTCCGGAGAAATCCGCTTCTTCTTCTTCACATCTTTCATCTAGCTCTTTCAGAGCTA-3'
Protein context (NP_055845.1, residues 2635-2655): EEEEADFSGL[Ser2645Phe]SQDEEEQDGF